The following is an entry in ClinVar:

ClinVar aggregate classification (germline): Uncertain significance. Review status: criteria provided, multiple submitters, no conflicts (2 of 4 stars). 2 submissions from 2 submitters: Uncertain significance (2). Last evaluated 2024-01-24.

Conditions:
Inborn genetic diseases. Identifiers: MedGen C0950123, MeSH D030342.

Allele frequency attached by ClinVar (database versions not stated): ESP Exome Variant Server 0.00017.
gnomAD v4.1: 37 of 1,613,612 alleles (0.0023%); highest among the groups gnomAD compares: African/African-American, 0.041%; no homozygotes.

Submissions (2):

Ambry Genetics
Classification: Uncertain significance for Inborn genetic diseases. Last evaluated: 2024-01-24. Review status: criteria provided, single submitter. Criteria: Ambry Variant Classification Scheme 2023. Collection method: clinical testing. Allele origin: germline.

Labcorp Genetics (formerly Invitae), Labcorp
Classification: Uncertain significance. Last evaluated: 2024-01-24. Review status: criteria provided, single submitter. Criteria: Invitae Variant Classification Sherloc (09022015). Collection method: clinical testing. Allele origin: germline.
Comment: This sequence change replaces alanine, which is neutral and non-polar, with threonine, which is neutral and polar, at codon 411 of the CEP152 protein (p.Ala411Thr). This variant is present in population databases (rs188488086, gnomAD 0.04%). This variant has not been reported in the literature in individuals affected with CEP152-related conditions. ClinVar contains an entry for this variant (Variation ID: 2419429). Advanced modeling of protein sequence and biophysical properties (such as structural, functional, and spatial information, amino acid conservation, physicochemical variation, residue mobility, and thermodynamic stability) performed at Invitae indicates that this missense variant is not expected to disrupt CEP152 protein function with a negative predictive value of 80%. In summary, the available evidence is currently insufficient to determine the role of this variant in disease. Therefore, it has been classified as a Variant of Uncertain Significance.

NM_001194998.2(CEP152):c.1231G>A (p.Ala411Thr)

Gene: CEP152 (centrosomal protein 152; minus strand). Cytogenetic location: 15q21.1.
Variant type: single nucleotide variant.
Coding change: c.1231G>A on transcript NM_001194998.2 (MANE Select); coding-DNA position 1231, G replaced by A.
Protein change: p.Ala411Thr; replaces alanine 411 with threonine.
Molecular consequence: missense variant.
Genome position (GRCh38, 1-based): chr15:48,784,063, C>T on the plus strand (G>A on the coding strand, the complement: CEP152 is on the minus strand). VCF-style: chr15-48784063-C-T. GRCh37 (hg19) VCF-style: chr15-49076260-C-T.
Other names: c.1231G>A, p.Ala411Thr (NM_014985.4); c.1231G>A (NM_014985.3); short protein forms A411T.
Identifiers: ClinVar variation 2419429 (VCV002419429.5), dbSNP rs188488086, ClinGen allele CA7548900.